The following is an entry in ClinVar:

ClinVar aggregate classification (germline): Uncertain significance (1 of 4 stars; one submission).

Conditions:
Cardiovascular phenotype. Identifiers: MedGen CN230736.

Submission:

Ambry Genetics
Classification: Uncertain significance for Cardiovascular phenotype. Last evaluated: 2025-04-20. Review status: criteria provided, single submitter. Criteria: Ambry Variant Classification Scheme 2023. Collection method: clinical testing. Allele origin: germline.
Comment: The p.Q2061R variant (also known as c.6182A>G), located in coding exon 25 of the AKAP9 gene, results from an A to G substitution at nucleotide position 6182. The glutamine at codon 2061 is replaced by arginine, an amino acid with highly similar properties. This amino acid position is conserved. In addition, the in silico prediction for this alteration is inconclusive. Based on the available evidence, the clinical significance of this variant remains unclear.

NM_005751.5(AKAP9):c.6182A>G (p.Gln2061Arg)

Gene: AKAP9 (A-kinase anchoring protein 9; plus strand). Cytogenetic location: 7q21.2.
Variant type: single nucleotide variant.
Coding change: c.6182A>G on transcript NM_005751.5 (MANE Select); coding-DNA position 6182, A replaced by G.
Protein change: p.Gln2061Arg; replaces glutamine 2061 with arginine.
Molecular consequence: missense variant.
Genome position (GRCh38, 1-based): chr7:92,065,435, A>G. VCF-style: chr7-92065435-A-G. GRCh37 (hg19) VCF-style: chr7-91694749-A-G.
Other names: c.827A>G, p.Gln276Arg (NM_001379277.1); c.6182A>G, p.Gln2061Arg (NM_147185.3); short protein forms Q276R, Q2061R.
Identifiers: ClinVar variation 4033862 (VCV004033862.1).
Genomic context (GRCh38, chr7:92,065,435, plus strand): 5'-AACAAGAAAAAAATACTGAACTAATGGATTTAAGACAGCAAAACCAAGCATTGGAAAAGC[A>G]GTTAGAAAAAATGAGAAAATTTTTAGATGTAAGTATTCTCAAGTTGAATACTGATTTTTC-3'
Protein context (NP_005742.4, residues 2051-2071): LRQQNQALEK[Gln2061Arg]LEKMRKFLDE